The following is an entry in ClinVar:

NM_025193.4(HSD3B7):c.112G>C (p.Glu38Gln)

Gene: HSD3B7 (hydroxy-delta-5-steroid dehydrogenase, 3 beta- and steroid delta-isomerase 7; plus strand). Cytogenetic location: 16p11.2.
Variant type: single nucleotide variant.
Coding change: c.112G>C on transcript NM_025193.4 (MANE Select); coding-DNA position 112, G replaced by C.
Protein change: p.Glu38Gln; replaces glutamic acid 38 with glutamine.
Molecular consequence: missense variant.
Genome position (GRCh38, 1-based): chr16:30,985,770, G>C. VCF-style: chr16-30985770-G-C. GRCh37 (hg19) VCF-style: chr16-30997091-G-C.
Other names: c.112G>C, p.Glu38Gln (NM_001142777.2, NM_001142778.2); short protein forms E38Q.
Identifiers: ClinVar variation 4036445 (VCV004036445.2).

ClinVar aggregate classification (germline): Uncertain significance. Review status: criteria provided, multiple submitters, no conflicts (2 of 4 stars). 2 submissions from 2 submitters: Uncertain significance (2). Last evaluated 2025-06-07.

Conditions:
HSD3B7-related disorder. Also called: HSD3B7-related condition.
Inborn genetic diseases. Identifiers: MedGen C0950123, MeSH D030342.

Submissions (2):

Ambry Genetics
Classification: Uncertain significance for Inborn genetic diseases. Last evaluated: 2025-06-07. Review status: criteria provided, single submitter. Criteria: Ambry Variant Classification Scheme 2023. Collection method: clinical testing. Allele origin: germline.

PreventionGenetics, part of Exact Sciences
Classification: Uncertain significance for HSD3B7-related condition. Last evaluated: 2025-03-27. Review status: criteria provided, single submitter. Criteria: ACMG Guidelines, 2015. Collection method: clinical testing. Allele origin: germline.
Comment: The HSD3B7 c.112G>C variant is predicted to result in the amino acid substitution p.Glu38Gln. To our knowledge, this variant has not been reported in the literature or in a large population database (gnomAD), indicating this variant is rare. At this time, the clinical significance of this variant is uncertain due to the absence of conclusive functional and genetic evidence.